The following is an entry in ClinVar:

NM_133510.4(RAD51B):c.246C>G (p.Phe82Leu)

Gene: RAD51B (RAD51 paralog B; plus strand). Cytogenetic location: 14q24.1.
Variant type: single nucleotide variant.
Coding change: c.246C>G on transcript NM_133510.4 (MANE Select); coding-DNA position 246, C replaced by G.
Protein change: p.Phe82Leu; replaces phenylalanine 82 with leucine.
Molecular consequence: missense variant. On other transcripts: 5 prime UTR variant (1).
Genome position (GRCh38, 1-based): chr14:67,835,127, C>G. VCF-style: chr14-67835127-C-G. GRCh37 (hg19) VCF-style: chr14-68301844-C-G.
Other names: c.246C>G, p.Phe82Leu (NM_001321809.2, NM_001321810.2, NM_001321812.1 and 6 more transcripts); c.132C>G, p.Phe44Leu (NM_001321815.1); c.-210C>G (NM_001321817.2); short protein forms F82L, F44L.
Identifiers: ClinVar variation 3786417 (VCV003786417.1).

ClinVar aggregate classification (germline): Uncertain significance (1 of 4 stars; one submission).

gnomAD v4.1: 9 of 1,613,880 alleles (0.00056%); highest among the groups gnomAD compares: Non-Finnish European, 0.00076%; no homozygotes.

Submission:

Ambry Genetics
Classification: Uncertain significance. Last evaluated: 2025-01-14. Review status: criteria provided, single submitter. Criteria: Ambry Variant Classification Scheme 2023. Collection method: clinical testing. Allele origin: germline.
Comment: The p.F82L variant (also known as c.246C>G), located in coding exon 3 of the RAD51B gene, results from a C to G substitution at nucleotide position 246. The phenylalanine at codon 82 is replaced by leucine, an amino acid with highly similar properties. This amino acid position is conserved. In addition, the in silico prediction for this alteration is inconclusive. Based on the available evidence, the clinical significance of this variant remains unclear.